The following is an entry in ClinVar:

ClinVar aggregate classification (germline): Uncertain significance (1 of 4 stars; one submission).

Submission:

GeneDx
Classification: Uncertain significance. Last evaluated: 2024-09-27. Review status: criteria provided, single submitter. Criteria: GeneDx Variant Classification Process June 2021. Collection method: clinical testing. Allele origin: germline. Affected: yes.
Comment: Not observed at significant frequency in large population cohorts (gnomAD); In silico analysis supports that this missense variant has a deleterious effect on protein structure/function; Has not been previously published as pathogenic or benign to our knowledge

NM_007118.4(TRIO):c.3260A>G (p.Tyr1087Cys)

Gene: TRIO (trio Rho guanine nucleotide exchange factor; plus strand). Cytogenetic location: 5p15.2.
Variant type: single nucleotide variant.
Coding change: c.3260A>G on transcript NM_007118.4 (MANE Select); coding-DNA position 3260, A replaced by G.
Protein change: p.Tyr1087Cys; replaces tyrosine 1087 with cysteine.
Molecular consequence: missense variant. On other transcripts: non-coding transcript variant (1).
Genome position (GRCh38, 1-based): chr5:14,374,272, A>G. VCF-style: chr5-14374272-A-G. GRCh37 (hg19) VCF-style: chr5-14374381-A-G.
Other names: short protein forms Y1087C.
Identifiers: ClinVar variation 3774835 (VCV003774835.1).
Genomic context (GRCh38, chr5:14,374,272, plus strand): 5'-TCTCCATTGTTTTTTAGGCTTGCACCCTTGCTCGGAGGAATGCAGACGTCTTCCTGAAAT[A>G]CCTGCACAGGAACAGCGTGAACATGCCAGGAATGGTGACGCACATCAAAGCTCCTGAACA-3'
Protein context (NP_009049.2, residues 1077-1097): ARRNADVFLK[Tyr1087Cys]LHRNSVNMPG